The following is an entry in ClinVar:

ClinVar aggregate classification (germline): Uncertain significance. Review status: criteria provided, multiple submitters, no conflicts (2 of 4 stars). 5 submissions from 5 submitters: Uncertain significance (5). Last evaluated 2025-05-16.

Conditions:
Inborn genetic diseases. Identifiers: MedGen C0950123, MeSH D030342.
Propionic acidemia (PROP). Also called: GLYCINEMIA, KETOTIC; HYPERGLYCINEMIA WITH KETOACIDOSIS AND LEUKOPENIA; KETOTIC HYPERGLYCINEMIA. Identifiers: Orphanet 35, MedGen C0268579, MONDO:0011628, OMIM 606054, HP:0003571.

Allele frequency attached by ClinVar (database versions not stated): TOPMed 0.00001; ExAC 0.00003; gnomAD 0.00003; gnomAD exomes 0.00003 and 0.00004; 1000 Genomes Project 30x 0.00016; 1000 Genomes Project 0.00020.
gnomAD v4.1: 46 of 1,614,138 alleles (0.0028%); highest among the groups gnomAD compares: South Asian, 0.0066%; no homozygotes.

Submissions (5):

Ambry Genetics
Classification: Uncertain significance for Inborn genetic diseases. Last evaluated: 2025-05-16. Review status: criteria provided, single submitter. Criteria: Ambry Variant Classification Scheme 2023. Collection method: clinical testing. Allele origin: germline.

Blueprint Genetics
Classification: Uncertain significance. Last evaluated: 2023-09-08. Review status: criteria provided, single submitter. Criteria: ACMG Guidelines, 2015. Collection method: clinical testing. Allele origin: germline.

GeneDx
Classification: Uncertain significance. Last evaluated: 2022-08-22. Review status: criteria provided, single submitter. Criteria: GeneDx Variant Classification Process June 2021. Collection method: clinical testing. Allele origin: germline. Affected: yes.
Comment: In silico analysis supports that this missense variant does not alter protein structure/function; Has not been previously published as pathogenic or benign to our knowledge

Labcorp Genetics (formerly Invitae), Labcorp
Classification: Uncertain significance for Propionic acidemia. Last evaluated: 2022-06-27. Review status: criteria provided, single submitter. Criteria: Invitae Variant Classification Sherloc (09022015). Collection method: clinical testing. Allele origin: germline.
Comment: This sequence change replaces arginine, which is basic and polar, with cysteine, which is neutral and slightly polar, at codon 663 of the PCCA protein (p.Arg663Cys). This variant is present in population databases (rs200710812, gnomAD 0.02%). This variant has not been reported in the literature in individuals affected with PCCA-related conditions. ClinVar contains an entry for this variant (Variation ID: 884188). Advanced modeling of protein sequence and biophysical properties (such as structural, functional, and spatial information, amino acid conservation, physicochemical variation, residue mobility, and thermodynamic stability) performed at Invitae indicates that this missense variant is not expected to disrupt PCCA protein function. In summary, the available evidence is currently insufficient to determine the role of this variant in disease. Therefore, it has been classified as a Variant of Uncertain Significance.

Illumina Laboratory Services, Illumina
Classification: Uncertain significance for Propionic acidemia. Last evaluated: 2018-01-12. Review status: criteria provided, single submitter. Criteria: ICSL Variant Classification Criteria 13 December 2019. Collection method: clinical testing. Allele origin: germline.

NM_000282.4(PCCA):c.1987C>T (p.Arg663Cys)

Gene: PCCA (propionyl-CoA carboxylase subunit alpha; plus strand). Cytogenetic location: 13q32.3.
Variant type: single nucleotide variant.
Coding change: c.1987C>T on transcript NM_000282.4 (MANE Select); coding-DNA position 1987, C replaced by T.
Protein change: p.Arg663Cys; replaces arginine 663 with cysteine.
Molecular consequence: missense variant. On other transcripts: non-coding transcript variant (4), intron variant (2).
Genome position (GRCh38, 1-based): chr13:100,515,514, C>T. VCF-style: chr13-100515514-C-T. GRCh37 (hg19) VCF-style: chr13-101167768-C-T.
Other names: c.1909C>T, p.Arg637Cys (NM_001127692.3); c.1933C>T, p.Arg645Cys (NM_001352605.2); c.1843C>T, p.Arg615Cys (NM_001352606.2); c.1765C>T, p.Arg589Cys (NM_001352608.2); c.1042C>T, p.Arg348Cys (NM_001352610.2); c.988C>T, p.Arg330Cys (NM_001352611.2); c.898C>T, p.Arg300Cys (NM_001352612.2); c.1900-12161C>T (NM_001178004.2); and 1 more; short protein forms R300C, R589C, R663C, R348C, R645C, R330C, R615C, R637C.
Identifiers: ClinVar variation 884188 (VCV000884188.7), dbSNP rs200710812, ClinGen allele CA7033861.
Genomic context (GRCh38, chr13:100,515,514, plus strand): 5'-GCCGCAGAATTGAACAAATTTATGCTGGAAAAAGTGACTGAGGACACAAGCAGTGTTCTG[C>T]GTTCCCCGATGCCCGGAGTGGTGGTGGCCGTCTCTGTCAAGCCTGGAGACGCGGTAAGGG-3'
Protein context (NP_000273.2, residues 653-673): KVTEDTSSVL[Arg663Cys]SPMPGVVVAV